The following is an entry in ClinVar:

ClinVar aggregate classification (germline): Uncertain significance (1 of 4 stars; one submission).

Conditions:
Progressive myoclonic epilepsy. Also called: Familial progressive myoclonic epilepsy; Myoclonus epilepsy; Progressive myoclonus epilepsy; Myoclonic Epilepsies, Progressive. Identifiers: Orphanet 308, Orphanet 98261, MedGen C0751778, MONDO:0020074.

Submission:

Labcorp Genetics (formerly Invitae), Labcorp
Classification: Uncertain significance for Progressive myoclonic epilepsy. Last evaluated: 2018-04-25. Review status: criteria provided, single submitter. Criteria: Invitae Variant Classification Sherloc (09022015). Collection method: clinical testing. Allele origin: germline.
Comment: This variant is not present in population databases (ExAC no frequency). This sequence change replaces phenylalanine with cysteine at codon 64 of the CSTB protein (p.Phe64Cys). The phenylalanine residue is moderately conserved and there is a large physicochemical difference between phenylalanine and cysteine. This variant has not been reported in the literature in individuals with CSTB-related disease. Algorithms developed to predict the effect of missense changes on protein structure and function output the following: SIFT: "Tolerated"; PolyPhen-2: "Benign"; Align-GVGD: "Class C0". The cysteine amino acid residue is found in multiple mammalian species, suggesting that this missense change does not adversely affect protein function. These predictions have not been confirmed by published functional studies and their clinical significance is uncertain. In summary, the available evidence is currently insufficient to determine the role of this variant in disease. Therefore, it has been classified as a Variant of Uncertain Significance.

NM_000100.4(CSTB):c.191T>G (p.Phe64Cys)

Gene: CSTB (cystatin B; minus strand). Cytogenetic location: 21q22.3.
Variant type: single nucleotide variant.
Coding change: c.191T>G on transcript NM_000100.4 (MANE Select); coding-DNA position 191, T replaced by G.
Protein change: p.Phe64Cys; replaces phenylalanine 64 with cysteine.
Molecular consequence: missense variant.
Genome position (GRCh38, 1-based): chr21:43,774,308, A>C on the plus strand (T>G on the coding strand, the complement: CSTB is on the minus strand). VCF-style: chr21-43774308-A-C. GRCh37 (hg19) VCF-style: chr21-45194189-A-C.
Other names: short protein forms F64C.
Identifiers: ClinVar variation 570980 (VCV000570980.8), dbSNP rs1569005540, ClinGen allele CA410407990.
Genomic context (GRCh38, chr21:43,774,308, plus strand): 5'-TTAGATAAGGTCAAGGGCTTGTTTTCATGAGGGAGAGATTGGAACACTCGCAGGTGTACG[A>C]AGTCCTCGTCGCCGACGTGCACCTGGGAAGAGAGCGGAGTGAGCGAAGCCTCTGATCCCA-3'
Protein context (NP_000091.1, residues 54-74): FIKVHVGDED[Phe64Cys]VHLRVFQSLP